The following is an entry in ClinVar:

ClinVar aggregate classification (germline): Pathogenic/Likely pathogenic. Review status: criteria provided, multiple submitters, no conflicts (2 of 4 stars). 5 submissions from 5 submitters: Pathogenic (4); Likely pathogenic (1). Last evaluated 2026-05-30.

Conditions:
Albinism or congenital nystagmus.
TYR-related disorder. Also called: TYR-related condition.
Oculocutaneous albinism. Identifiers: Orphanet 55, MedGen C0078918, MONDO:0018910.
SKIN/HAIR/EYE PIGMENTATION 3, LIGHT/DARK SKIN (SHEP3). Also called: SKIN/HAIR/EYE PIGMENTATION, VARIATION IN, 3; EYE COLOR 1; EYE COLOR, GREEN/BLUE; SKIN/HAIR/EYE PIGMENTATION 3, BLUE/GREEN EYE COLOR; SKIN/HAIR/EYE PIGMENTATION 3, FRECKLING. Identifiers: MedGen C2677190, OMIM 601800.

gnomAD v4.1: 16 of 1,612,386 alleles (0.00099%); highest among the groups gnomAD compares: Non-Finnish European, 0.0014%; no homozygotes.

Submissions (5):

NHS Central & South Genomic Laboratory Hub
Classification: Likely pathogenic for Albinism or congenital nystagmus. Last evaluated: 2026-05-30. Review status: criteria provided, single submitter. Criteria: ACMG Guidelines, 2015. Collection method: clinical testing. Allele origin: germline. Affected: yes.

3billion
Classification: Pathogenic for TYR-related disorder. Last evaluated: 2026-01-13. Review status: criteria provided, single submitter. Criteria: ACMG Guidelines, 2015. Collection method: clinical testing. Allele origin: germline. Affected: yes.
Comment: The variant is observed at an extremely low frequency in the gnomAD v4.1.0 dataset (total allele frequency: <0.001%). Predicted Consequence/Location: Missense variant In silico tool predictions suggest damaging effect of the variant on gene or gene product [REVEL: 0.95 (>=0.6, sensitivity 0.68 and specificity 0.92); 3Cnet: 0.99 (> 0.75, sensitivity 0.96 and precision 0.92)]. The same nucleotide change resulting in the same amino acid change has been previously reported as pathogenic/likely pathogenic with strong evidence (ClinVar ID: VCV001477155 /PMID: 29345414). Different missense changes at the same codon (p.Gly346Glu, p.Gly346Val) have been reported as pathogenic/likely pathogenic with strong evidence (ClinVar ID: VCV000437986, VCV000617799 /PMID: 16098056, 8026428 /3billion dataset). Therefore, this variant is classified as Pathogenic according to the recommendation of ACMG/AMP guideline.

Labcorp Genetics (formerly Invitae), Labcorp
Classification: Pathogenic. Last evaluated: 2024-05-06. Review status: criteria provided, single submitter. Criteria: Invitae Variant Classification Sherloc (09022015). Collection method: clinical testing. Allele origin: germline.
Comment: This sequence change replaces glycine, which is neutral and non-polar, with arginine, which is basic and polar, at codon 346 of the TYR protein (p.Gly346Arg). This variant also falls at the last nucleotide of exon 2, which is part of the consensus splice site for this exon. This variant is present in population databases (no rsID available, gnomAD 0.007%). This missense change has been observed in individual(s) with oculocutaneous albinism (PMID: 27734839, 29345414; Invitae). In at least one individual the data is consistent with being in trans (on the opposite chromosome) from a pathogenic variant. ClinVar contains an entry for this variant (Variation ID: 1477155). An algorithm developed to predict the effect of missense changes on protein structure and function (PolyPhen-2) suggests that this variant is likely to be disruptive. Variants that disrupt the consensus splice site are a relatively common cause of aberrant splicing (PMID: 17576681, 9536098). Algorithms developed to predict the effect of sequence changes on RNA splicing suggest that this variant may disrupt the consensus splice site. For these reasons, this variant has been classified as Pathogenic.

Baylor Genetics
Classification: Pathogenic for SKIN/HAIR/EYE PIGMENTATION 3, LIGHT/DARK SKIN. Last evaluated: 2023-12-10. Review status: criteria provided, single submitter. Criteria: ACMG Guidelines, 2015. Collection method: clinical testing. Allele origin: unknown.

Victorian Clinical Genetics Services, Murdoch Childrens Research Institute
Classification: Pathogenic for Oculocutaneous albinism. Last evaluated: 2019-08-28. Review status: criteria provided, single submitter. Criteria: ACMG Guidelines, 2015. Collection method: clinical testing. Allele origin: germline. Affected: yes.
Comment: A heterozygous missense variant was identified, NM_000372.4(TYR):c.1036G>A in exon 2 of 5 of the TYR gene. This substitution is predicted to create a major amino acid change from glycine to arginine at position 346 of the protein, NP_000363.1(TYR):p.(Gly346Arg). The glycine at this position has very high conservation (100 vertebrates, UCSC), and is located within the Tyrosinase functional domain. In silico software predicts this variant to be pathogenic (PolyPhen, SIFT, CADD, MutationTaster). The variant is present in the gnomAD population database at a frequency of 0.003% (1 heterozygote, 0 homozygotes). The variant has been previously reported as pathogenic in patients with oculocutaneous albinism type I (ClinVar, Mauri, L. et al. (2017), Monferme, S. et al. (2018)). Two different variants in the same codon resulting in changes to valine (ClinVar, Miyamura, Y. et al. (2005), Mondal M. et al. (2016)) and glutamic acid (Ghodsinejad Kalahroudi, V. et al. (2014), Monferme, S. et al. (2018), Zhong, Z. et al. (2019)) have also been reported in patient’s with oculocutaneous albinism type I. Based on information available at the time of curation, this variant has been classified as PATHOGENIC.

Literature cited by the submitters: PubMed 29345414 (cited by 3billion and Labcorp Genetics (formerly Invitae), Labcorp); PubMed 16098056 (cited by 3billion); PubMed 27734839 (cited by Labcorp Genetics (formerly Invitae), Labcorp); PubMed 17576681 (cited by Labcorp Genetics (formerly Invitae), Labcorp); PubMed 9536098 (cited by Labcorp Genetics (formerly Invitae), Labcorp).

NM_000372.5(TYR):c.1036G>A (p.Gly346Arg)

Gene: TYR (tyrosinase; plus strand). Cytogenetic location: 11q14.3.
Variant type: single nucleotide variant.
Coding change: c.1036G>A on transcript NM_000372.5 (MANE Select); coding-DNA position 1036, G replaced by A.
Protein change: p.Gly346Arg; replaces glycine 346 with arginine.
Molecular consequence: missense variant.
Genome position (GRCh38, 1-based): chr11:89,191,418, G>A. VCF-style: chr11-89191418-G-A. GRCh37 (hg19) VCF-style: chr11-88924586-G-A.
Other names: c.1036G>A (NM_000372.4); short protein forms G346R.
Identifiers: ClinVar variation 1477155 (VCV001477155.12), dbSNP rs1013801316, ClinGen allele CA226295740.